The following is an entry in ClinVar:

ClinVar aggregate classification (germline): Uncertain significance. Review status: criteria provided, multiple submitters, no conflicts (2 of 4 stars). 2 submissions from 2 submitters: Uncertain significance (2). Last evaluated 2025-08-01.

Conditions:
Hereditary cancer-predisposing syndrome. Also called: Neoplastic Syndromes, Hereditary; Tumor predisposition; Hereditary Cancer Syndrome; Hereditary neoplastic syndrome. Identifiers: Orphanet 140162, MedGen C0027672, MeSH D009386, MONDO:0015356.
Bloom syndrome (BLM). Also called: Bloom-Torre-Machacek syndrome. Identifiers: Orphanet 125, MedGen C0005859, MONDO:0008876, OMIM 210900.

Submissions (2):

Ambry Genetics
Classification: Uncertain significance for Hereditary cancer-predisposing syndrome. Last evaluated: 2025-08-01. Review status: criteria provided, single submitter. Criteria: Ambry Variant Classification Scheme 2023. Collection method: clinical testing. Allele origin: germline.
Comment: The p.K535T variant (also known as c.1604A>C), located in coding exon 6 of the BLM gene, results from an A to C substitution at nucleotide position 1604. The lysine at codon 535 is replaced by threonine, an amino acid with similar properties. This amino acid position is conserved. In addition, this alteration is predicted to be tolerated by in silico analysis. Based on the available evidence, the clinical significance of this variant remains unclear.

Labcorp Genetics (formerly Invitae), Labcorp
Classification: Uncertain significance for Bloom syndrome. Last evaluated: 2025-03-31. Review status: criteria provided, single submitter. Criteria: Invitae Variant Classification Sherloc (09022015). Collection method: clinical testing. Allele origin: germline.
Comment: This sequence change replaces lysine, which is basic and polar, with threonine, which is neutral and polar, at codon 535 of the BLM protein (p.Lys535Thr). This variant is not present in population databases (gnomAD no frequency). This variant has not been reported in the literature in individuals affected with BLM-related conditions. Invitae Evidence Modeling of protein sequence and biophysical properties (such as structural, functional, and spatial information, amino acid conservation, physicochemical variation, residue mobility, and thermodynamic stability) indicates that this missense variant is not expected to disrupt BLM protein function with a negative predictive value of 80%. In summary, the available evidence is currently insufficient to determine the role of this variant in disease. Therefore, it has been classified as a Variant of Uncertain Significance.

NM_000057.4(BLM):c.1604A>C (p.Lys535Thr)

Gene: BLM (BLM RecQ like helicase; plus strand). Cytogenetic location: 15q26.1.
Variant type: single nucleotide variant.
Coding change: c.1604A>C on transcript NM_000057.4 (MANE Select); coding-DNA position 1604, A replaced by C.
Protein change: p.Lys535Thr; replaces lysine 535 with threonine.
Molecular consequence: missense variant.
Genome position (GRCh38, 1-based): chr15:90,760,977, A>C. VCF-style: chr15-90760977-A-C. GRCh37 (hg19) VCF-style: chr15-91304207-A-C.
Other names: c.1604A>C, p.Lys535Thr (NM_001287246.2, NM_001287247.2); c.479A>C, p.Lys160Thr (NM_001287248.2); short protein forms K535T, K160T.
Identifiers: ClinVar variation 4211886 (VCV004211886.2).